The following is an entry in ClinVar:

ClinVar aggregate classification (germline): Uncertain significance. Review status: criteria provided, multiple submitters, no conflicts (2 of 4 stars). 2 submissions from 2 submitters: Uncertain significance (2). Last evaluated 2023-10-05.

Conditions:
Inborn genetic diseases. Identifiers: MedGen C0950123, MeSH D030342.

gnomAD v4.1: 2 of 1,555,590 alleles (0.00013%); highest among the groups gnomAD compares: Non-Finnish European, 0.00017%; no homozygotes.

Submissions (2):

Ambry Genetics
Classification: Uncertain significance for Inborn genetic diseases. Last evaluated: 2023-10-05. Review status: criteria provided, single submitter. Criteria: Ambry Variant Classification Scheme 2023. Collection method: clinical testing. Allele origin: germline.

Labcorp Genetics (formerly Invitae), Labcorp
Classification: Uncertain significance. Last evaluated: 2022-08-16. Review status: criteria provided, single submitter. Criteria: Invitae Variant Classification Sherloc (09022015). Collection method: clinical testing. Allele origin: germline.
Comment: This variant has not been reported in the literature in individuals affected with IMPDH1-related conditions. This variant is not present in population databases (gnomAD no frequency). This sequence change replaces methionine, which is neutral and non-polar, with valine, which is neutral and non-polar, at codon 410 of the IMPDH1 protein (p.Met410Val). ClinVar contains an entry for this variant (Variation ID: 1356175). In summary, the available evidence is currently insufficient to determine the role of this variant in disease. Therefore, it has been classified as a Variant of Uncertain Significance. Algorithms developed to predict the effect of missense changes on protein structure and function are either unavailable or do not agree on the potential impact of this missense change (SIFT: "Deleterious"; PolyPhen-2: "Probably Damaging"; Align-GVGD: "Class C15").

NM_000883.4(IMPDH1):c.1228A>G (p.Met410Val)

Gene: IMPDH1 (inosine monophosphate dehydrogenase 1; minus strand). Cytogenetic location: 7q32.1.
Variant type: single nucleotide variant.
Coding change: c.1228A>G on transcript NM_000883.4 (MANE Select); coding-DNA position 1228, A replaced by G.
Protein change: p.Met410Val; replaces methionine 410 with valine.
Molecular consequence: missense variant.
Genome position (GRCh38, 1-based): chr7:128,396,633, T>C on the plus strand (A>G on the coding strand, the complement: IMPDH1 is on the minus strand). VCF-style: chr7-128396633-T-C. GRCh37 (hg19) VCF-style: chr7-128036687-T-C.
Other names: c.1198A>G, p.Met400Val (NM_001102605.2); c.973A>G, p.Met325Val (NM_001142573.2); c.958A>G, p.Met320Val (NM_001142574.2); c.898A>G, p.Met300Val (NM_001142575.2); c.1129A>G, p.Met377Val (NM_001142576.2); c.1021A>G, p.Met341Val (NM_001304521.2); c.1120A>G, p.Met374Val (NM_183243.3); c.1228A>G (NM_000883.3); short protein forms M300V, M325V, M410V, M320V, M341V, M374V, M377V, M400V.
Identifiers: ClinVar variation 1356175 (VCV001356175.7), dbSNP rs759859452, ClinGen allele CA369165083.
Genomic context (GRCh38, chr7:128,396,633, plus strand): 5'-GGCACTCGCTCACCTCCTGACACCCACCTTCCTGGGTGATGCAGATGGAGCCGCAGCCCA[T>C]GCCCACGCGCAGCCCGTCCACACCAGCATCAATCAGGTTCTTGGCCTGGGCTGCTGTCAC-3'
Protein context (NP_000874.2, residues 400-420): DAGVDGLRVG[Met410Val]GCGSICITQE